The following is an entry in ClinVar:

ClinVar aggregate classification (germline): Uncertain significance. Review status: criteria provided, multiple submitters, no conflicts (2 of 4 stars). 2 submissions from 2 submitters: Uncertain significance (2). Last evaluated 2024-09-08.

Conditions:
Multiple endocrine neoplasia type 4. Also called: MULTIPLE ENDOCRINE NEOPLASIA, TYPE IV. Identifiers: Orphanet 276152, MedGen C1970712, MONDO:0012552, OMIM 610755.
Hereditary cancer-predisposing syndrome. Also called: Hereditary Cancer Syndrome; Hereditary neoplastic syndrome; Neoplastic Syndromes, Hereditary; Tumor predisposition. Identifiers: Orphanet 140162, MedGen C0027672, MeSH D009386, MONDO:0015356.

Allele frequency attached by ClinVar (database versions not stated): gnomAD exomes below 0.00001.

Submissions (2):

Ambry Genetics
Classification: Uncertain significance for Hereditary cancer-predisposing syndrome. Last evaluated: 2024-09-08. Review status: criteria provided, single submitter. Criteria: Ambry Variant Classification Scheme 2023. Collection method: clinical testing. Allele origin: germline.
Comment: The p.S160P variant (also known as c.478T>C), located in coding exon 2 of the CDKN1B gene, results from a T to C substitution at nucleotide position 478. The serine at codon 160 is replaced by proline, an amino acid with similar properties. This amino acid position is conserved. In addition, this alteration is predicted to be tolerated by in silico analysis. Based on the available evidence, the clinical significance of this variant remains unclear.

Labcorp Genetics (formerly Invitae), Labcorp
Classification: Uncertain significance for Multiple endocrine neoplasia type 4. Last evaluated: 2023-05-22. Review status: criteria provided, single submitter. Criteria: Invitae Variant Classification Sherloc (09022015). Collection method: clinical testing. Allele origin: germline.
Comment: This sequence change replaces serine, which is neutral and polar, with proline, which is neutral and non-polar, at codon 160 of the CDKN1B protein (p.Ser160Pro). This variant is present in population databases (no rsID available, gnomAD 0.0009%). This variant has not been reported in the literature in individuals affected with CDKN1B-related conditions. An algorithm developed to predict the effect of missense changes on protein structure and function (PolyPhen-2) suggests that this variant is likely to be tolerated. In summary, the available evidence is currently insufficient to determine the role of this variant in disease. Therefore, it has been classified as a Variant of Uncertain Significance.

NM_004064.5(CDKN1B):c.478T>C (p.Ser160Pro)

Gene: CDKN1B (cyclin dependent kinase inhibitor 1B; plus strand). Cytogenetic location: 12p13.1.
Variant type: single nucleotide variant.
Coding change: c.478T>C on transcript NM_004064.5 (MANE Select); coding-DNA position 478, T replaced by C.
Protein change: p.Ser160Pro; replaces serine 160 with proline.
Molecular consequence: missense variant.
Genome position (GRCh38, 1-based): chr12:12,718,827, T>C. VCF-style: chr12-12718827-T-C. GRCh37 (hg19) VCF-style: chr12-12871761-T-C.
Other names: c.478T>C (NM_004064.3); short protein forms S160P.
Identifiers: ClinVar variation 2880542 (VCV002880542.4), dbSNP rs1474337731, ClinGen allele CA383972504.
Genomic context (GRCh38, chr12:12,718,827, plus strand): 5'-CCATTGTTTTTTCTAATAAAGATTGTGTGTTCTTTTTAAAAATTTCCCCTGCGCTTAGAT[T>C]CTTCTACTCAAAACAAAAGAGCCAACAGAACAGAAGAAAATGTTTCAGACGGTTCCCCAA-3'
Protein context (NP_004055.1, residues 150-170): GIRKRPATDD[Ser160Pro]STQNKRANRT